The following is an entry in ClinVar:

NM_001005242.3(PKP2):c.2356G>C (p.Ala786Pro)

Gene: PKP2 (plakophilin 2; minus strand). Cytogenetic location: 12p11.21.
Variant type: single nucleotide variant.
Coding change: c.2356G>C on transcript NM_001005242.3 (MANE Select); coding-DNA position 2356, G replaced by C.
Protein change: p.Ala786Pro; replaces alanine 786 with proline.
Molecular consequence: missense variant.
Genome position (GRCh38, 1-based): chr12:32,796,110, C>G on the plus strand (G>C on the coding strand, the complement: PKP2 is on the minus strand). VCF-style: chr12-32796110-C-G. GRCh37 (hg19) VCF-style: chr12-32949044-C-G.
Other names: c.2488G>C, p.Ala830Pro (NM_004572.4); short protein forms A830P, A786P.
Identifiers: ClinVar variation 923173 (VCV000923173.20), dbSNP rs768463319, ClinGen allele CA035342.

ClinVar aggregate classification (germline): Conflicting classifications of pathogenicity. Review status: criteria provided, conflicting classifications (1 of 4 stars). 7 submissions from 7 submitters: Uncertain significance (6); Likely benign (1). Last evaluated 2026-05-05.

Conditions:
Cardiovascular phenotype. Identifiers: MedGen CN230736.
Arrhythmogenic right ventricular cardiomyopathy (ARVD). Also called: Cardiomyopathy, ARVC; Arrhythmogenic right ventricular dysplasia; Arrhythmogenic cardiomyopathy; Arrhythmogenic Right Ventricular Cardiomyopathy (ARVC). Identifiers: Orphanet 247, MedGen C0349788, MeSH D019571, MONDO:0016587. Disease mechanism: loss of function. Inheritance: Various modes of inheritance.
Cardiomyopathy (CMYO). Also called: Cardiomyopathies. Identifiers: Orphanet 167848, MedGen C0878544, MONDO:0004994, HP:0001638. Inheritance: Various modes of inheritance.
Arrhythmogenic right ventricular dysplasia 9 (ARVD9). Also called: Arrhythmogenic Right Ventricular Dysplasia/Cardiomyopathy 9; ARRHYTHMOGENIC RIGHT VENTRICULAR DYSPLASIA, FAMILIAL, 9. Identifiers: MedGen C1836906, MONDO:0012180, OMIM 609040.

Allele frequency attached by ClinVar (database versions not stated): ExAC 0.00001; gnomAD 0.00001; gnomAD exomes 0.00001; TOPMed 0.00003.

Submissions (7):

Women's Health and Genetics/Laboratory Corporation of America, LabCorp
Classification: Uncertain significance. Last evaluated: 2026-05-05. Review status: criteria provided, single submitter. Criteria: LabCorp Variant Classification Summary - May 2015. Collection method: clinical testing. Allele origin: germline.
Comment: Variant summary: PKP2 c.2488G>C (p.Ala830Pro) results in a non-conservative amino acid change in the encoded protein sequence. Algorithms developed to predict the effect of missense changes on protein structure and function are either unavailable or do not agree on the potential impact of this missense change. Consensus agreement among computation tools predict no significant impact on normal splicing. However, these predictions have yet to be confirmed by functional studies. The variant allele was found at a frequency of 1.2e-05 in 251442 control chromosomes (gnomAD). The available data on variant occurrences in the general population are insufficient to allow any conclusion about variant significance. c.2488G>C has been observed in an individual(s) affected with Arrhythmogenic Right Ventricular Dysplasia/Cardiomyopathy (Tan_2010). These reports do not provide unequivocal conclusions about association of the variant with Arrhythmogenic Right Ventricular Dysplasia/Cardiomyopathy. To our knowledge, no experimental evidence demonstrating an impact on protein function has been reported. The following publications have been ascertained in the context of this evaluation (PMID: 20857253, 35753512). ClinVar contains an entry for this variant (Variation ID: 923173). Based on the evidence outlined above, the variant was classified as uncertain significance.

Labcorp Genetics (formerly Invitae), Labcorp
Classification: Uncertain significance for Arrhythmogenic right ventricular dysplasia 9. Last evaluated: 2025-12-21. Review status: criteria provided, single submitter. Criteria: Invitae Variant Classification Sherloc (09022015). Collection method: clinical testing. Allele origin: germline.
Comment: This sequence change replaces alanine, which is neutral and non-polar, with proline, which is neutral and non-polar, at codon 830 of the PKP2 protein (p.Ala830Pro). This variant is present in population databases (rs768463319, gnomAD 0.02%). This missense change has been observed in individual(s) with clinical features of PKP2-related conditions (PMID: 20857253, 35753512). ClinVar contains an entry for this variant (Variation ID: 923173). An algorithm developed to predict the effect of missense changes on protein structure and function (PolyPhen-2) suggests that this variant is likely to be tolerated. In summary, the available evidence is currently insufficient to determine the role of this variant in disease. Therefore, it has been classified as a Variant of Uncertain Significance.

GeneDx
Classification: Uncertain significance. Last evaluated: 2024-12-05. Review status: criteria provided, single submitter. Criteria: GeneDx Variant Classification Process June 2021. Collection method: clinical testing. Allele origin: germline. Affected: yes.
Comment: Reported in one patient in association with ARVC/D from the Johns Hopkins ARVD registry (PMID: 20857253); Not observed at significant frequency in large population cohorts (gnomAD); In silico analysis indicates that this missense variant does not alter protein structure/function; This variant is associated with the following publications: (PMID: 35753512, 20857253)

Ambry Genetics
Classification: Likely benign for Cardiovascular phenotype. Last evaluated: 2024-08-22. Review status: criteria provided, single submitter. Criteria: Ambry Variant Classification Scheme 2023. Collection method: clinical testing. Allele origin: germline.

All of Us Research Program, National Institutes of Health
Classification: Uncertain significance for Arrhythmogenic right ventricular cardiomyopathy. Last evaluated: 2024-06-11. Review status: criteria provided, single submitter. Criteria: ACMG Guidelines, 2015. Collection method: clinical testing. Allele origin: germline. Inheritance: Autosomal dominant inheritance. Observed: 13 variant alleles, 13 heterozygotes.
Comment: This missense variant replaces alanine with proline at codon 830 of the PKP2 protein. Computational prediction suggests that this variant may not impact protein structure and function (internally defined REVEL score threshold <= 0.5, PMID: 27666373). To our knowledge, functional studies have not been reported for this variant. This variant has been reported in an individual affected with arrhythmogenic right ventricular cardiomyopathy (PMID: 20857253). This variant has been identified in 3/251442 chromosomes in the general population by the Genome Aggregation Database (gnomAD). The available evidence is insufficient to determine the role of this variant in disease conclusively. Therefore, this variant is classified as a Variant of Uncertain Significance.

This study involves interpretation of variants in research participants for the purpose of population health screening. Participant phenotype was not available at the time of variant classification. Additional details can be found in publication PMID: 35346344, PMCID: PMC8962531

Color Diagnostics, LLC DBA Color Health
Classification: Uncertain significance for Cardiomyopathy. Last evaluated: 2024-03-14. Review status: criteria provided, single submitter. Criteria: ACMG Guidelines, 2015. Collection method: clinical testing. Allele origin: germline.
Comment: This missense variant replaces alanine with proline at codon 830 of the PKP2 protein. Computational prediction suggests that this variant may not impact protein structure and function (internally defined REVEL score threshold <= 0.5, PMID: 27666373). To our knowledge, functional studies have not been reported for this variant. This variant has been reported in an individual affected with arrhythmogenic right ventricular cardiomyopathy (PMID: 20857253). This variant has been identified in 3/251442 chromosomes in the general population by the Genome Aggregation Database (gnomAD). The available evidence is insufficient to determine the role of this variant in disease conclusively. Therefore, this variant is classified as a Variant of Uncertain Significance.

Blueprint Genetics
Classification: Uncertain significance. Last evaluated: 2023-10-05. Review status: criteria provided, single submitter. Criteria: ACMG Guidelines, 2015. Collection method: clinical testing. Allele origin: germline.

Literature cited by the submitters: PubMed 20857253 (cited by 4 submitters); PubMed 35753512 (cited by 3 submitters); PubMed 20031617 (cited by Ambry Genetics).